The following is an entry in ClinVar:

NM_002485.5(NBN):c.1472_1473insGCAG (p.Gln494fs)

Gene: NBN (nibrin; minus strand). Cytogenetic location: 8q21.3.
Variant type: Insertion.
Coding change: c.1472_1473insGCAG on transcript NM_002485.5 (MANE Select); coding-DNA positions 1472 to 1473, GCAG inserted.
Protein change: p.Gln494fs; shifts the reading frame from glutamine 494.
Molecular consequence: frameshift variant.
Genome position: GRCh38 VCF-style: chr8-89953616-T-TCTGC. GRCh37 (hg19) VCF-style: chr8-90965844-T-TCTGC.
Other names: c.1226_1227insGCAG, p.Gln412fs (NM_001024688.3, NM_001440379.1, NM_001440380.1); short protein forms Q412fs, Q494fs.
Identifiers: ClinVar variation 5011723 (VCV005011723.1).
Genomic context (GRCh38, chr8:89,953,616, plus strand): 5'-ATTCTCAGATAGATGCTGCTCCTTATTTTTCCACAATGAGGGTGTAGCAGGTTGTGTTTG[T>TCTGC]TCTAAAAGAGAACAAGACGTTTCTATTCTTGCTGATTTGCATGAAGACATTTCTTGATTT-3'

ClinVar aggregate classification (germline): Pathogenic (1 of 4 stars; one submission).

Conditions:
Microcephaly, normal intelligence and immunodeficiency (NBS). Also called: IMMUNODEFICIENCY, MICROCEPHALY, AND CHROMOSOMAL INSTABILITY; SEEMANOVA SYNDROME II; Nijmegen breakage syndrome; Microcephaly with normal intelligence immunodeficiency and lymphoreticular malignancies; Nonsyndromal microcephaly autosomal recessive with normal intelligence; Seemanova syndrome 2. Identifiers: Orphanet 647, MedGen C0398791, MONDO:0009623, OMIM 251260.

Submission:

Myriad Genetics, Inc.
Classification: Pathogenic for Microcephaly, normal intelligence and immunodeficiency. Last evaluated: 2023-09-22. Review status: criteria provided, single submitter. Criteria: Myriad Autosomal Dominant, Autosomal Recessive and X-Linked Classification Criteria (2023). Collection method: clinical testing. Allele origin: unknown.
Comment: NM_002485.4(NBN):c.1472_1473insGCAG(Q494Nfs*12) is expected to be pathogenic in the context of Nijmegen breakage syndrome. This variant is predicted to lead to an abnormal or absent protein product due to the creation of a premature termination codon in NBN, a gene where loss-of-function variants are known to be pathogenic. Please note: this variant was assessed in the context of healthy population screening.